The following is an entry in ClinVar:

NC_000011.10:g.(?_47447802)_(47449175_?)del

Gene: RAPSN (receptor associated protein of the synapse; minus strand). Cytogenetic location: 11p11.2.
Variant type: Deletion.
Identifiers: ClinVar variation 832215 (VCV000832215.1).

ClinVar aggregate classification (germline): Pathogenic (1 of 4 stars; one submission).

Conditions:
Congenital myasthenic syndrome 11. Also called: Myasthenic syndrome, congenital, 11, associated with acetylcholine receptor deficiency; MYASTHENIC SYNDROME, CONGENITAL, Ie. Identifiers: Orphanet 590, MedGen C4225367, MONDO:0014588, OMIM 616326.
Fetal akinesia deformation sequence 1 (FADS1). Also called: Pena-Shokeir syndrome type I; Fetal akinesia sequence. Identifiers: Orphanet 994, MedGen C1276035, MONDO:0100101, OMIM 208150, HP:0001989.

Submission:

Labcorp Genetics (formerly Invitae), Labcorp
Classification: Pathogenic for Myasthenic syndrome, congenital, 11, associated with acetylcholine receptor deficiency; Pena-Shokeir syndrome type I. Last evaluated: 2019-11-25. Review status: criteria provided, single submitter. Criteria: Invitae Variant Classification Sherloc (09022015). Collection method: clinical testing. Allele origin: germline.
Comment: This variant is a gross deletion of the genomic region encompassing exons 1-2 of the RAPSN gene, which includes the initiator codon. The 5' end of this event is unknown as it extends beyond the assayed region for this gene and therefore may encompass additional genes. The 3' boundary is likely confined to intron 2 of the RAPSN gene. This is expected to result in an absent or disrupted protein product. This variant has not been reported in the literature in individuals with RAPSN-related conditions. Loss-of-function variants in RAPSN are known to be pathogenic (PMID: 17686188). For these reasons, this variant has been classified as Pathogenic.